The following is an entry in ClinVar:

NM_024678.6(NARS2):c.124del (p.Glu42fs)

Gene: NARS2 (asparaginyl-tRNA synthetase 2, mitochondrial; minus strand). Cytogenetic location: 11q14.1.
Variant type: Deletion.
Coding change: c.124del on transcript NM_024678.6 (MANE Select); coding-DNA position 124, one base deleted (G; older notation c.124delG).
Protein change: p.Glu42fs; shifts the reading frame from glutamic acid 42.
Molecular consequence: frameshift variant. On other transcripts: intron variant (1).
Genome position (GRCh38, 1-based): chr11:78,574,365, C deleted on the plus strand (G on the coding strand, the reverse complement: NARS2 is on the minus strand); the first of 4 consecutive C bases (chr11:78,574,365-78,574,368); deleting any one gives the same sequence. VCF-style (leftmost placement, unchanged base first): chr11-78574364-TC-T. GRCh37 (hg19) VCF-style: chr11-78285409-TC-T.
Other names: c.-541+464del (NM_001243251.2); c.124delG (NM_024678.5); c.124del (NM_024678.5); short protein forms E42fs.
Identifiers: ClinVar variation 423956 (VCV000423956.4), dbSNP rs1064796717, ClinGen allele CA16619412.

ClinVar aggregate classification (germline): Likely pathogenic. Review status: criteria provided, multiple submitters, no conflicts (2 of 4 stars). 2 submissions from 2 submitters: Likely pathogenic (2). Last evaluated 2025-08-18.

Conditions:
NARS2-related disorder. Also called: NARS2-related condition.

Submissions (2):

GeneDx
Classification: Likely pathogenic. Last evaluated: 2025-08-18. Review status: criteria provided, single submitter. Criteria: GeneDx Variant Classification Process June 2021. Collection method: clinical testing. Allele origin: germline. Affected: yes.
Comment: Frameshift variant predicted to result in protein truncation or nonsense mediated decay in a gene for which loss of function is a known mechanism of disease; Not observed at significant frequency in large population cohorts (gnomAD); Has not been previously published as pathogenic or benign to our knowledge

Blueprint Genetics
Classification: Likely pathogenic for NARS2-related disorders. Last evaluated: 2019-10-03. Review status: criteria provided, single submitter. Criteria: ACMG Guidelines, 2015. Collection method: clinical testing. Allele origin: germline. Affected: yes. Observed: 2 variant alleles.